The following is an entry in ClinVar:

NM_005026.5(PIK3CD):c.1339+4G>A

Genes: PIK3CD (phosphatidylinositol-4,5-bisphosphate 3-kinase catalytic subunit delta; plus strand), LOC126805612 (MED14-independent group 3 enhancer GRCh37_chr1:9778914-9780113; plus strand). Cytogenetic location: 1p36.22.
Variant type: single nucleotide variant.
Coding change: c.1339+4G>A on transcript NM_005026.5 (MANE Select); 4 bases into the intron after coding-DNA position 1339, G replaced by A.
Molecular consequence: intron variant.
Genome position (GRCh38, 1-based): chr1:9,720,021, G>A. VCF-style: chr1-9720021-G-A. GRCh37 (hg19) VCF-style: chr1-9780079-G-A.
Other names: c.1339+4G>A (NM_001350234.2); c.1252+4G>A (NM_001350235.1).
Identifiers: ClinVar variation 969000 (VCV000969000.12), dbSNP rs751591906, ClinGen allele CA577154.

ClinVar aggregate classification (germline): Conflicting classifications of pathogenicity. Review status: criteria provided, conflicting classifications (1 of 4 stars). 5 submissions from 4 submitters: Uncertain significance (3); Likely benign (1). 1 of the submissions does not count toward it. Last evaluated 2025-11-22.

Conditions:
Immunodeficiency 14 (IMD14A). Also called: ACTIVATED PI3K-DELTA SYNDROME 1; IMMUNODEFICIENCY 14A WITH LYMPHOPROLIFERATION, AUTOSOMAL DOMINANT; Activated PI3K Delta Syndrome Type 1 (APDS1); p110-DELTA-ACTIVATING MUTATION CAUSING SENESCENT T CELLS, LYMPHADENOPATHY, AND IMMUNODEFICIENCY. Identifiers: Orphanet 397596, Orphanet 693661, MedGen C5907821, MONDO:0014222, OMIM 615513.
Combined immunodeficiency with faciooculoskeletal anomalies. Also called: Roifman-Chitayat syndrome, digenic; Roifman-Chitayat syndrome; COMBINED IMMUNODEFICIENCY, FACIAL DYSMORPHISM, OPTIC NERVE ATROPHY, SKELETAL ANOMALIES, AND DEVELOPMENTAL DELAY. Identifiers: Orphanet 221139, MedGen C2750068, MONDO:0013226, OMIM 613328.
Immunodeficiency 14b, autosomal recessive. Identifiers: MedGen C5543301, MONDO:0023655, OMIM 619281.

Allele frequency attached by ClinVar (database versions not stated): gnomAD below 0.00001 and 0.00001; TOPMed 0.00001; gnomAD exomes 0.00004; ExAC 0.00006.
gnomAD v4.1: 50 of 1,613,412 alleles (0.0031%); highest among the groups gnomAD compares: South Asian, 0.037%; no homozygotes.

Submissions (5):

Labcorp Genetics (formerly Invitae), Labcorp
Classification: Uncertain significance for Activated PI3K-delta syndrome. Last evaluated: 2025-11-22. Review status: criteria provided, single submitter. Criteria: Invitae Variant Classification Sherloc (09022015). Collection method: clinical testing. Allele origin: germline.
Comment: This sequence change falls in intron 10 of the PIK3CD gene. It does not directly change the encoded amino acid sequence of the PIK3CD protein. It affects a nucleotide within the consensus splice site. This variant is present in population databases (rs751591906, gnomAD 0.03%). This variant has been observed in individual(s) with primary antibody deficiency (PMID: 29921932). ClinVar contains an entry for this variant (Variation ID: 969000). Variants that disrupt the consensus splice site are a relatively common cause of aberrant splicing (PMID: 17576681, 9536098). Algorithms developed to predict the effect of sequence changes on RNA splicing suggest that this variant is not likely to affect RNA splicing. In summary, the available evidence is currently insufficient to determine the role of this variant in disease. Therefore, it has been classified as a Variant of Uncertain Significance.

Dubai Health Genomic Medicine Center, Dubai Health
Classification: Uncertain significance. Last evaluated: 2022-12-17. Review status: criteria provided, single submitter. Criteria: ACMG Guidelines, 2015. Collection method: clinical testing. Allele origin: germline. Affected: yes.

Blueprint Genetics
Classification: Likely benign. Last evaluated: 2022-07-15. Review status: criteria provided, single submitter. Criteria: ACMG Guidelines, 2015. Collection method: clinical testing. Allele origin: germline.

Fulgent Genetics
Classification: Uncertain significance for Combined immunodeficiency with faciooculoskeletal anomalies; Immunodeficiency 14; Immunodeficiency 14b, autosomal recessive. Last evaluated: 2022-01-07. Review status: criteria provided, single submitter. Criteria: ACMG Guidelines, 2015. Collection method: clinical testing. Allele origin: unknown.

Dubai Health Genomic Medicine Center, Dubai Health
Classification: Uncertain significance for Immunodeficiency 14. Last evaluated: 2020-11-22. Review status: flagged submission. Criteria: ACMG Guidelines, 2015. Collection method: clinical testing. Allele origin: germline. Affected: yes. Not counted in ClinVar's aggregate classification.
Comment: The c.1339+4G>A variant in PIK3CD has been previously reported in the heterozygous state in two individuals with primary antibody deficiency (PMID: 29921932). It was also observed in 9/30616 (0.03% 0 homozygotes) South Asian alleles in the Genome Aggregation Database (gnomAD). This variant is located in the 5' splice region. Computational tools do not suggest an impact to splicing though this information is not predictive enough to rule out pathogenicity. The clinical significance of this variant was interpreted as uncertain by another clinical laboratory (ClinVar ID: 969000). In summary additional information is needed to fully assess its clinical significance.
ClinVar note: Reason: This record appears to be redundant with a more recent record from the same submitter.
ClinVar note: Notes: SCV001984324 appears to be redundant with SCV002774981.

Literature cited by the submitters: PubMed 29921932 (cited by Labcorp Genetics (formerly Invitae), Labcorp); PubMed 17576681 (cited by Labcorp Genetics (formerly Invitae), Labcorp); PubMed 9536098 (cited by Labcorp Genetics (formerly Invitae), Labcorp).